The following is an entry in ClinVar:

ClinVar aggregate classification (germline): Uncertain significance (1 of 4 stars; one submission).

Submission:

Labcorp Genetics (formerly Invitae), Labcorp
Classification: Uncertain significance. Last evaluated: 2024-01-27. Review status: criteria provided, single submitter. Criteria: Invitae Variant Classification Sherloc (09022015). Collection method: clinical testing. Allele origin: unknown.
Comment: This variant results in a copy number gain of the genomic region encompassing exon(s) 55-57 of the COL11A1 gene. While the exact position of this variant cannot be determined from the data, sub-genic copy number gains are generally in tandem (PMID: 25640679). This variant is predicted to be in-frame, and likely preserves the integrity of the reading frame. This variant has not been reported in the literature in individuals affected with COL11A1-related conditions. Experimental studies and prediction algorithms are not available or were not evaluated, and the functional significance of this variant is currently unknown. In summary, the available evidence is currently insufficient to determine the role of this variant in disease. Therefore, it has been classified as a Variant of Uncertain Significance.

Literature cited by the submitters: PubMed 25640679.

NC_000001.10:g.(?_103363661)_(103364570_?)dup

Gene: COL11A1 (collagen type XI alpha 1 chain; minus strand). Cytogenetic location: 1p21.1.
Variant type: Duplication.
Identifiers: ClinVar variation 3247931 (VCV003247931.1).